The following is an entry in ClinVar:

NM_001614.5(ACTG1):c.843dup (p.Ile282fs)

Gene: ACTG1 (actin gamma 1; minus strand). Cytogenetic location: 17q25.3.
Variant type: Duplication.
Coding change: c.843dup on transcript NM_001614.5 (MANE Select); coding-DNA position 843, one base duplicated (C; older notation c.843dupC).
Protein change: p.Ile282fs; shifts the reading frame from isoleucine 282.
Molecular consequence: frameshift variant. On other transcripts: non-coding transcript variant (1).
Genome position (GRCh38, 1-based): chr17:81,511,068, G duplicated on the plus strand (C on the coding strand, the reverse complement: ACTG1 is on the minus strand); the first of 2 consecutive G bases (chr17:81,511,068-81,511,069); duplicating either gives the same sequence. VCF-style (leftmost placement, unchanged base first): chr17-81511067-T-TG. GRCh37 (hg19) VCF-style: chr17-79478093-T-TG.
Other names: c.843dup, p.Ile282fs (NM_001199954.3); short protein forms I282fs.
Identifiers: ClinVar variation 3375891 (VCV003375891.1).

ClinVar aggregate classification (germline): Uncertain significance (1 of 4 stars; one submission).

Submission:

GeneDx
Classification: Uncertain significance. Last evaluated: 2024-05-08. Review status: criteria provided, single submitter. Criteria: GeneDx Variant Classification Process June 2021. Collection method: clinical testing. Allele origin: germline. Affected: yes.
Comment: Not observed at significant frequency in large population cohorts (gnomAD); Has not been previously published as pathogenic or benign to our knowledge; Frameshift variant predicted to result in protein truncation or nonsense mediated decay in a gene for which loss-of-function is not a known mechanism of disease